The following is an entry in ClinVar:

NC_000019.9:g.(?_13339493)_(13341043_?)del

Gene: CACNA1A (calcium voltage-gated channel subunit alpha1 A; minus strand). Cytogenetic location: 19p13.2.
Variant type: Deletion.
Identifiers: ClinVar variation 2423755 (VCV002423755.6).

ClinVar aggregate classification (germline): Pathogenic (1 of 4 stars; one submission).

Conditions:
Episodic ataxia type 2 (EA2). Also called: ATAXIA, EPISODIC, WITH NYSTAGMUS; ATAXIA, FAMILIAL PAROXYSMAL; CEREBELLAR ATAXIA, PAROXYSMAL, ACETAZOLAMIDE-RESPONSIVE; CEREBELLOPATHY, HEREDITARY PAROXYSMAL; EPISODIC ATAXIA, NYSTAGMUS-ASSOCIATED; ACETAZOLAMIDE-RESPONSIVE HEREDITARY PAROXYSMAL CEREBELLAR ATAXIA. Identifiers: Orphanet 97, MedGen C1720416, MONDO:0007163, OMIM 108500.
Developmental and epileptic encephalopathy, 42 (DEE42A). Also called: DEVELOPMENTAL AND EPILEPTIC ENCEPHALOPATHY 42A; EPILEPTIC ENCEPHALOPATHY, EARLY INFANTILE, 42A; Epileptic encephalopathy, early infantile, 42. Identifiers: MedGen C4310716, MONDO:0014917, OMIM 617106.

Submission:

Labcorp Genetics (formerly Invitae), Labcorp
Classification: Pathogenic for Developmental and epileptic encephalopathy, 42; Episodic ataxia type 2. Last evaluated: 2022-05-16. Review status: criteria provided, single submitter. Criteria: Invitae Variant Classification Sherloc (09022015). Collection method: clinical testing. Allele origin: germline.
Comment: This variant is a gross deletion of the genomic region encompassing exon(s) 36-37 of the CACNA1A gene. This variant would be expected to be in-frame, preserving the integrity of the reading frame. This variant has not been reported in the literature in individuals affected with CACNA1A-related conditions. This variant disrupts a region of the CACNA1A protein in which other variant(s) (p.Ile1810Leu ) have been determined to be pathogenic (PMID: 8898206, 9488686, 10024348, 12235360). This suggests that this is a clinically significant region of the protein, and that variants that disrupt it are likely to be disease-causing. For these reasons, this variant has been classified as Pathogenic.

Literature cited by the submitters: PubMed 8898206; PubMed 9488686; PubMed 10024348; PubMed 12235360.